The following is an entry in ClinVar:

NM_001276270.2(MBD4):c.180A>G (p.Glu60=)

Gene: MBD4 (methyl-CpG binding domain 4, DNA glycosylase; minus strand). Cytogenetic location: 3q21.3.
Variant type: single nucleotide variant.
Coding change: c.180A>G on transcript NM_001276270.2 (MANE Select); coding-DNA position 180, A replaced by G.
Protein change: p.Glu60=; no amino-acid change (glutamic acid 60 retained).
Molecular consequence: synonymous variant.
Genome position (GRCh38, 1-based): chr3:129,437,875, T>C on the plus strand (A>G on the coding strand, the complement: MBD4 is on the minus strand). VCF-style: chr3-129437875-T-C. GRCh37 (hg19) VCF-style: chr3-129156718-T-C.
Other names: c.180A>G, p.Glu60= (NM_001276271.2, NM_001276272.2, NM_001276273.2 and 1 more transcripts).
Identifiers: ClinVar variation 3543796 (VCV003543796.4).
Genomic context (GRCh38, chr3:129,437,875, plus strand): 5'-TGTTCCTGCAGTAGCACCAAACTGAGCAGAAGCGATGGGTTCTTGTAGCAAGGGATTACA[T>C]TCACTGCTTCTTTTTATCATCATTTGTTCCTCATCTTCTCCCACTCTTTCCAATTCCATA-3'
Protein context (NP_001263199.1, residues 50-70): EEQMMIKRSS[Glu60=]CNPLLQEPIA

ClinVar aggregate classification (germline): Benign/Likely benign. Review status: criteria provided, multiple submitters, no conflicts (2 of 4 stars). 3 submissions from 3 submitters: Benign (1); Likely benign (2). Last evaluated 2026-06-09.

Conditions:
Tumor predisposition syndrome 2 (TPDS2). Also called: MBD4-ASSOCIATED NEOPLASIA SYNDROME; MBD4-Related Tumor Predisposition Syndrome; MBD4-associated neoplasia syndrome (MANS). Identifiers: Orphanet 661526, MedGen C5774186, MONDO:0859267, OMIM 619975.
Inborn genetic diseases. Identifiers: MedGen C0950123, MeSH D030342.

gnomAD v4.1: 6 of 1,613,998 alleles (0.00037%); highest among the groups gnomAD compares: Non-Finnish European, 0.00051%; no homozygotes.

Submissions (3):

Myriad Genetics, Inc.
Classification: Benign for Tumor predisposition syndrome 2. Last evaluated: 2026-06-09. Review status: criteria provided, single submitter. Criteria: Myriad Autosomal Dominant, Autosomal Recessive and X-Linked Classification Criteria (2023). Collection method: clinical testing. Allele origin: unknown.
Comment: This variant is considered benign. This variant is a silent/synonymous amino acid change and it is not expected to impact splicing.

Labcorp Genetics (formerly Invitae), Labcorp
Classification: Likely benign. Last evaluated: 2025-12-24. Review status: criteria provided, single submitter. Criteria: Invitae Variant Classification Sherloc (09022015). Collection method: clinical testing. Allele origin: germline.

Ambry Genetics
Classification: Likely benign for Inborn genetic diseases. Last evaluated: 2024-12-02. Review status: criteria provided, single submitter. Criteria: Ambry Variant Classification Scheme 2023. Collection method: clinical testing. Allele origin: germline.